The following is an entry in ClinVar:

ClinVar aggregate classification (germline): Uncertain significance (1 of 4 stars; one submission).

Conditions:
Peroxisome biogenesis disorder, complementation group K (CGK). Identifiers: MedGen C1866257, MONDO:0800365.

Allele frequency attached by ClinVar (database versions not stated): gnomAD exomes below 0.00001 and 0.00005; TOPMed below 0.00001; ExAC 0.00001; gnomAD 0.00001.
gnomAD v4.1: 34 of 1,612,698 alleles (0.0021%); highest among the groups gnomAD compares: East Asian, 0.076%; no homozygotes.

Submission:

Labcorp Genetics (formerly Invitae), Labcorp
Classification: Uncertain significance for Peroxisome biogenesis disorder, complementation group K. Last evaluated: 2022-08-09. Review status: criteria provided, single submitter. Criteria: Invitae Variant Classification Sherloc (09022015). Collection method: clinical testing. Allele origin: germline.
Comment: This sequence change replaces isoleucine, which is neutral and non-polar, with methionine, which is neutral and non-polar, at codon 216 of the PEX14 protein (p.Ile216Met). This variant is present in population databases (rs756446450, gnomAD 0.006%). This variant has not been reported in the literature in individuals affected with PEX14-related conditions. ClinVar contains an entry for this variant (Variation ID: 1422462). Algorithms developed to predict the effect of missense changes on protein structure and function are either unavailable or do not agree on the potential impact of this missense change (SIFT: "Tolerated"; PolyPhen-2: "Probably Damaging"; Align-GVGD: "Class C0"). In summary, the available evidence is currently insufficient to determine the role of this variant in disease. Therefore, it has been classified as a Variant of Uncertain Significance.

NM_004565.3(PEX14):c.648T>G (p.Ile216Met)

Gene: PEX14 (peroxisomal biogenesis factor 14; plus strand). Cytogenetic location: 1p36.22.
Variant type: single nucleotide variant.
Coding change: c.648T>G on transcript NM_004565.3 (MANE Select); coding-DNA position 648, T replaced by G.
Protein change: p.Ile216Met; replaces isoleucine 216 with methionine.
Molecular consequence: missense variant.
Genome position (GRCh38, 1-based): chr1:10,627,334, T>G. VCF-style: chr1-10627334-T-G. GRCh37 (hg19) VCF-style: chr1-10687391-T-G.
Other names: short protein forms I216M.
Identifiers: ClinVar variation 1422462 (VCV001422462.3), dbSNP rs756446450, ClinGen allele CA583923.